The following is an entry in ClinVar:

ClinVar aggregate classification (germline): Uncertain significance (1 of 4 stars; one submission).

Conditions:
SEMA3E-related disorder. Also called: SEMA3E-related condition.

gnomAD v4.1: 9 of 1,613,896 alleles (0.00056%); highest among the groups gnomAD compares: Non-Finnish European, 0.00076%; no homozygotes.

Submission:

PreventionGenetics, part of Exact Sciences
Classification: Uncertain significance for SEMA3E-related condition. Last evaluated: 2026-05-27. Review status: criteria provided, single submitter. Criteria: ACMG Guidelines, 2015. Collection method: clinical testing. Allele origin: germline.
Comment: The SEMA3E c.1885G>A variant is predicted to result in the amino acid substitution p.Asp629Asn. To our knowledge, this variant has not been reported in the literature. This variant is reported in 0.0036% of alleles in individuals of European (non-Finnish) descent in gnomAD. At this time, the clinical significance of this variant is uncertain due to the absence of conclusive functional and genetic evidence.

NM_012431.3(SEMA3E):c.1885G>A (p.Asp629Asn)

Gene: SEMA3E (semaphorin 3E; minus strand). Cytogenetic location: 7q21.11.
Variant type: single nucleotide variant.
Coding change: c.1885G>A on transcript NM_012431.3 (MANE Select); coding-DNA position 1885, G replaced by A.
Protein change: p.Asp629Asn; replaces aspartic acid 629 with asparagine.
Molecular consequence: missense variant.
Genome position (GRCh38, 1-based): chr7:83,368,029, C>T on the plus strand (G>A on the coding strand, the complement: SEMA3E is on the minus strand). VCF-style: chr7-83368029-C-T. GRCh37 (hg19) VCF-style: chr7-82997345-C-T.
Other names: c.1705G>A, p.Asp569Asn (NM_001178129.2); short protein forms D569N, D629N.
Identifiers: ClinVar variation 4982796 (VCV004982796.1).
Genomic context (GRCh38, chr7:83,368,029, plus strand): 5'-CATCTGATTTGTGTAACCTTAGGAAGAGTAAACCAAGGTCCATCTTAACCACTCTGTCAT[C>T]TGTCTTCACCTGCAAAAACAAAAAAGTAAATGGCACTGAAGTACACAGGAGAGAAAATAA-3'
Protein context (NP_036563.1, residues 619-639): RETRKEEVKT[Asp629Asn]DRVVKMDLGL